The following is an entry in ClinVar:

NM_007294.4(BRCA1):c.3829G>C (p.Ala1277Pro)

Genes: BRCA1 (BRCA1 DNA repair associated; minus strand), LOC126862571 (BRD4-independent group 4 enhancer GRCh37_chr17:41243136-41244335; plus strand). Cytogenetic location: 17q21.31.
Variant type: single nucleotide variant.
Coding change: c.3829G>C on transcript NM_007294.4 (MANE Select); coding-DNA position 3829, G replaced by C.
Protein change: p.Ala1277Pro; replaces alanine 1277 with proline.
Molecular consequence: missense variant. On other transcripts: intron variant (135).
Genome position (GRCh38, 1-based): chr17:43,091,702, C>G on the plus strand (G>C on the coding strand, the complement: BRCA1 is on the minus strand). VCF-style: chr17-43091702-C-G. GRCh37 (hg19) VCF-style: chr17-41243719-C-G.
Other names: c.3565G>C, p.Ala1189Pro (NM_001407926.1, NM_001407927.1, NM_001407928.1 and 9 more transcripts); c.3562G>C, p.Ala1188Pro (NM_001407930.1, NM_001407931.1, NM_001407932.1 and 2 more transcripts); c.3706G>C, p.Ala1236Pro (NM_001407937.1, NM_001407938.1, NM_001407939.1 and 19 more transcripts); c.3703G>C, p.Ala1235Pro (NM_001407940.1, NM_001407941.1, NM_001407649.1 and 11 more transcripts); c.3688G>C, p.Ala1230Pro (NM_001407942.1, NM_001407944.1, NM_001407945.1 and 29 more transcripts); c.3685G>C, p.Ala1229Pro (NM_001407943.1, NM_001407964.1, NM_001407740.1 and 20 more transcripts); c.3496G>C, p.Ala1166Pro (NM_001407946.1, NM_001407947.1, NM_001407948.1 and 6 more transcripts); c.3493G>C, p.Ala1165Pro (NM_001407954.1, NM_001407955.1, NM_001407956.1 and 1 more transcripts); and 41 more; short protein forms A1277P, A1230P, A1149P, A1165P, A1235P, A1229P, A1236P, A409P.
Identifiers: ClinVar variation 55019 (VCV000055019.4), dbSNP rs397509112, ClinGen allele CA002466.

ClinVar aggregate classification (germline): Likely benign. Review status: criteria provided, single submitter (1 of 4 stars). 2 submissions from 2 submitters: Likely benign (1). 1 of the submissions does not count toward it. Last evaluated 2023-03-23.

Conditions:
Familial cancer of breast. Also called: BREAST CANCER, FAMILIAL; Hereditary breast cancer; hereditary breast carcinoma. Identifiers: Orphanet 227535, MedGen C0346153, MONDO:0016419, OMIM 114480. Disease mechanism: loss of function.
Hereditary cancer-predisposing syndrome. Also called: Neoplastic Syndromes, Hereditary; Hereditary neoplastic syndrome; Tumor predisposition; Hereditary Cancer Syndrome. Identifiers: Orphanet 140162, MedGen C0027672, MeSH D009386, MONDO:0015356.

Submissions (2):

University of Washington Department of Laboratory Medicine, University of Washington
Classification: Likely benign for Hereditary cancer-predisposing syndrome. Last evaluated: 2023-03-23. Review status: criteria provided, single submitter. Criteria: Dines et al. (Genet Med. 2020). Collection method: curation. Allele origin: germline.
Comment: Missense variant in a coldspot region where missense variants are very unlikely to be pathogenic (PMID:31911673).

BRCA1 coldspot (exon 11 using historical exon numbering). Reclassification based on statistical prior probability

ClinVar Staff, National Center for Biotechnology Information (NCBI)
No classification provided. Condition: Familial cancer of breast. Review status: no classification provided. Collection method: literature only. Allele origin: germline. Affected: yes. Not counted in ClinVar's aggregate classification.

Literature cited by the submitters: PubMed 17557253 (cited by ClinVar Staff, National Center for Biotechnology Information (NCBI)).